The following is an entry in ClinVar:

ClinVar aggregate classification (germline): Uncertain significance (1 of 4 stars; one submission).

Conditions:
Hereditary cancer-predisposing syndrome. Also called: Neoplastic Syndromes, Hereditary; Tumor predisposition; Hereditary neoplastic syndrome; Hereditary Cancer Syndrome. Identifiers: Orphanet 140162, MedGen C0027672, MeSH D009386, MONDO:0015356.

Submission:

Ambry Genetics
Classification: Uncertain significance for Hereditary cancer-predisposing syndrome. Last evaluated: 2021-07-02. Review status: criteria provided, single submitter. Criteria: Ambry Variant Classification Scheme 2023. Collection method: clinical testing. Allele origin: germline.
Comment: The c.332-11T>G intronic alteration consists of a T to G substitution 11 nucleotides before coding exon 4 in the ATM gene. Based on insufficient or conflicting evidence, the clinical significance of this alteration remains unclear.

NM_000051.4(ATM):c.332-11T>G

Gene: ATM (ATM serine/threonine kinase; plus strand). Cytogenetic location: 11q22.3.
Variant type: single nucleotide variant.
Coding change: c.332-11T>G on transcript NM_000051.4 (MANE Select); 11 bases into the intron before coding-DNA position 332, T replaced by G.
Molecular consequence: intron variant.
Genome position (GRCh38, 1-based): chr11:108,235,659, T>G. VCF-style: chr11-108235659-T-G. GRCh37 (hg19) VCF-style: chr11-108106386-T-G.
Other names: c.332-11T>G (NM_001351834.2).
Identifiers: ClinVar variation 3131071 (VCV003131071.1), dbSNP rs1565356404, ClinGen allele CA2825001748.